The following is an entry in ClinVar:

ClinVar aggregate classification (germline): Uncertain significance. Review status: criteria provided, multiple submitters, no conflicts (2 of 4 stars). 2 submissions from 2 submitters: Uncertain significance (2). Last evaluated 2026-01-09.

Allele frequency attached by ClinVar (database versions not stated): gnomAD 0.00001; TOPMed below 0.00001; gnomAD exomes below 0.00001.
gnomAD v4.1: 4 of 1,614,022 alleles (0.00025%); highest among the groups gnomAD compares: Admixed American, 0.0067%; no homozygotes.

Submissions (2):

Labcorp Genetics (formerly Invitae), Labcorp
Classification: Uncertain significance. Last evaluated: 2026-01-09. Review status: criteria provided, single submitter. Criteria: Invitae Variant Classification Sherloc (09022015). Collection method: clinical testing. Allele origin: germline.
Comment: This sequence change replaces isoleucine, which is neutral and non-polar, with threonine, which is neutral and polar, at codon 825 of the MICAL1 protein (p.Ile825Thr). This variant is present in population databases (no rsID available, gnomAD 0.009%). This variant has not been reported in the literature in individuals affected with MICAL1-related conditions. ClinVar contains an entry for this variant (Variation ID: 2886670). An algorithm developed to predict the effect of missense changes on protein structure and function (PolyPhen-2) suggests that this variant is likely to be disruptive. In summary, the available evidence is currently insufficient to determine the role of this variant in disease. Therefore, it has been classified as a Variant of Uncertain Significance.

Ambry Genetics
Classification: Uncertain significance. Last evaluated: 2024-03-19. Review status: criteria provided, single submitter. Criteria: Ambry Variant Classification Scheme 2023. Collection method: clinical testing. Allele origin: germline.

NM_022765.4(MICAL1):c.2417T>C (p.Ile806Thr)

Gene: MICAL1 (microtubule associated monooxygenase, calponin and LIM domain containing 1; minus strand). Cytogenetic location: 6q21.
Variant type: single nucleotide variant.
Coding change: c.2417T>C on transcript NM_022765.4 (MANE Select); coding-DNA position 2417, T replaced by C.
Protein change: p.Ile806Thr; replaces isoleucine 806 with threonine.
Molecular consequence: missense variant.
Genome position (GRCh38, 1-based): chr6:109,446,300, A>G on the plus strand (T>C on the coding strand, the complement: MICAL1 is on the minus strand). VCF-style: chr6-109446300-A-G. GRCh37 (hg19) VCF-style: chr6-109767503-A-G.
Other names: c.2159T>C, p.Ile720Thr (NM_001159291.2); c.2474T>C, p.Ile825Thr (NM_001286613.2); c.2417T>C (NM_022765.3); short protein forms I720T, I806T, I825T.
Identifiers: ClinVar variation 2886670 (VCV002886670.4), dbSNP rs1323728442, ClinGen allele CA365223678.